The following is an entry in ClinVar:

ClinVar aggregate classification (germline): Uncertain significance (1 of 4 stars; one submission).

Conditions:
Arrhythmogenic right ventricular dysplasia 10. Also called: Arrhythmogenic Right Ventricular Dysplasia/Cardiomyopathy10; ARRHYTHMOGENIC RIGHT VENTRICULAR DYSPLASIA, FAMILIAL, 10; Arrhythmogenic right ventricular dysplasia/cardiomyopathy, type 10. Identifiers: MedGen C1857777, MONDO:0012434, OMIM 610193.

Submission:

Labcorp Genetics (formerly Invitae), Labcorp
Classification: Uncertain significance for Arrhythmogenic right ventricular dysplasia 10. Last evaluated: 2020-09-16. Review status: criteria provided, single submitter. Criteria: Invitae Variant Classification Sherloc (09022015). Collection method: clinical testing. Allele origin: germline.
Comment: This sequence change replaces serine with threonine at codon 810 of the DSG2 protein (p.Ser810Thr). The serine residue is highly conserved and there is a small physicochemical difference between serine and threonine. In summary, the available evidence is currently insufficient to determine the role of this variant in disease. Therefore, it has been classified as a Variant of Uncertain Significance. Algorithms developed to predict the effect of missense changes on protein structure and function (SIFT, PolyPhen-2, Align-GVGD) all suggest that this variant is likely to be disruptive, but these predictions have not been confirmed by published functional studies and their clinical significance is uncertain. This variant has not been reported in the literature in individuals with DSG2-related disease. This variant is not present in population databases (ExAC no frequency).

NM_001943.5(DSG2):c.2428T>A (p.Ser810Thr)

Genes: DSG2 (desmoglein 2; plus strand), DSG2-AS1 (DSG2 antisense RNA 1; minus strand). Cytogenetic location: 18q12.1.
Variant type: single nucleotide variant.
Coding change: c.2428T>A on transcript NM_001943.5 (MANE Select); coding-DNA position 2428, T replaced by A.
Protein change: p.Ser810Thr; replaces serine 810 with threonine.
Molecular consequence: missense variant. On other transcripts: non-coding transcript variant (1).
Genome position (GRCh38, 1-based): chr18:31,545,814, T>A. VCF-style: chr18-31545814-T-A. GRCh37 (hg19) VCF-style: chr18-29125777-T-A.
Other names: c.2428T>A (LRG_397t1); short protein forms S810T.
Identifiers: ClinVar variation 534681 (VCV000534681.8), dbSNP rs1555628166, ClinGen allele CA402144572.